The following is an entry in ClinVar:

ClinVar aggregate classification (germline): Uncertain significance. Review status: criteria provided, multiple submitters, no conflicts (2 of 4 stars). 2 submissions from 2 submitters: Uncertain significance (2). Last evaluated 2024-06-16.

Conditions:
Inborn genetic diseases. Identifiers: MedGen C0950123, MeSH D030342.

Allele frequency attached by ClinVar (database versions not stated): gnomAD exomes below 0.00001; gnomAD 0.00002; TOPMed 0.00003.
gnomAD v4.1: 11 of 1,613,948 alleles (0.00068%); highest among the groups gnomAD compares: Admixed American, 0.0033%; no homozygotes.

Submissions (2):

Ambry Genetics
Classification: Uncertain significance for Inborn genetic diseases. Last evaluated: 2024-06-16. Review status: criteria provided, single submitter. Criteria: Ambry Variant Classification Scheme 2023. Collection method: clinical testing. Allele origin: germline.

Labcorp Genetics (formerly Invitae), Labcorp
Classification: Uncertain significance. Last evaluated: 2022-08-28. Review status: criteria provided, single submitter. Criteria: Invitae Variant Classification Sherloc (09022015). Collection method: clinical testing. Allele origin: germline.
Comment: This sequence change replaces proline, which is neutral and non-polar, with leucine, which is neutral and non-polar, at codon 2172 of the VPS13D protein (p.Pro2172Leu). This variant is present in population databases (no rsID available, gnomAD 0.007%). This variant has not been reported in the literature in individuals affected with VPS13D-related conditions. Algorithms developed to predict the effect of missense changes on protein structure and function are either unavailable or do not agree on the potential impact of this missense change (SIFT: "Deleterious"; PolyPhen-2: "Benign"; Align-GVGD: "Class C0"). In summary, the available evidence is currently insufficient to determine the role of this variant in disease. Therefore, it has been classified as a Variant of Uncertain Significance.

NM_015378.4(VPS13D):c.6515C>T (p.Pro2172Leu)

Gene: VPS13D (vacuolar protein sorting 13 homolog D; plus strand). Cytogenetic location: 1p36.22.
Variant type: single nucleotide variant.
Coding change: c.6515C>T on transcript NM_015378.4 (MANE Select); coding-DNA position 6515, C replaced by T.
Protein change: p.Pro2172Leu; replaces proline 2172 with leucine.
Molecular consequence: missense variant.
Genome position (GRCh38, 1-based): chr1:12,308,506, C>T. VCF-style: chr1-12308506-C-T. GRCh37 (hg19) VCF-style: chr1-12368563-C-T.
Other names: c.6515C>T (NM_015378.2); c.6515C>T, p.Pro2172Leu (NM_018156.4); short protein forms P2172L.
Identifiers: ClinVar variation 2082455 (VCV002082455.5), dbSNP rs1051244524, ClinGen allele CA18063714.
Genomic context (GRCh38, chr1:12,308,506, plus strand): 5'-TGCTGGATTGCGTTGTCGTGGATCTCCAGGACATGGACATCTTTGCTGCAGAGAGACATC[C>T]GAGAGAATACTCGAAGGCACCAGAGGATAGTAGTGGAGATCTGATCTTCCCTTCCTATTT-3'
Protein context (NP_056193.2, residues 2162-2182): DMDIFAAERH[Pro2172Leu]REYSKAPEDS